The following is an entry in ClinVar:

ClinVar aggregate classification (germline): Pathogenic. Review status: criteria provided, multiple submitters, no conflicts (2 of 4 stars). 2 submissions from 2 submitters: Pathogenic (2). Last evaluated 2025-04-07.
ClinVar aggregate classification (oncogenicity): Likely oncogenic (1 of 4 stars; one submission).

Conditions:
Hereditary cancer-predisposing syndrome. Also called: Hereditary neoplastic syndrome; Tumor predisposition; Neoplastic Syndromes, Hereditary; Hereditary Cancer Syndrome. Identifiers: Orphanet 140162, MedGen C0027672, MeSH D009386, MONDO:0015356.
Neoplasm. Also called: Neoplasms; Neoplasm (disease); tumor. Identifiers: MedGen C0027651, MeSH D009369, MONDO:0005070, HP:0002664.

Submissions (3):

Center for Genomic Medicine, Rigshospitalet, Copenhagen University Hospital
Classification: Likely oncogenic for Neoplasm. Last evaluated: 2026-10-16. Review status: criteria provided, single submitter. Criteria: ClinGen/CGC/VICC Guidelines for Oncogenicity, 2022. Collection method: clinical testing. Allele origin: somatic. Affected: yes.

Labcorp Genetics (formerly Invitae), Labcorp
Classification: Pathogenic for Hereditary cancer-predisposing syndrome. Last evaluated: 2025-04-07. Review status: criteria provided, single submitter. Criteria: Invitae Variant Classification Sherloc (09022015). Collection method: clinical testing. Allele origin: germline.
Comment: This sequence change creates a premature translational stop signal (p.Lys722Argfs*14) in the RAD50 gene. It is expected to result in an absent or disrupted protein product. Loss-of-function variants in RAD50 are known to be pathogenic (PMID: 19409520). The frequency data for this variant in the population databases is considered unreliable, as metrics indicate poor data quality at this position in the gnomAD database. This premature translational stop signal has been observed in individual(s) with breast cancer (PMID: 32868316, 35220195). This variant is also known as c.2157delA, c.2157del. ClinVar contains an entry for this variant (Variation ID: 408407). For these reasons, this variant has been classified as Pathogenic.

Ambry Genetics
Classification: Pathogenic for Hereditary cancer-predisposing syndrome. Last evaluated: 2023-04-28. Review status: criteria provided, single submitter. Criteria: Ambry Variant Classification Scheme 2023. Collection method: clinical testing. Allele origin: germline.
Comment: The c.2165delA variant, located in coding exon 13 of the RAD50 gene, results from a deletion of one nucleotide at nucleotide position 2165, causing a translational frameshift with a predicted alternate stop codon (p.K722Rfs*14). This alteration is expected to result in loss of function by premature protein truncation or nonsense-mediated mRNA decay. As such, this alteration is interpreted as a disease-causing mutation.

Literature cited by the submitters: PubMed 19409520 (cited by Labcorp Genetics (formerly Invitae), Labcorp); PubMed 32868316 (cited by Labcorp Genetics (formerly Invitae), Labcorp); PubMed 35220195 (cited by Labcorp Genetics (formerly Invitae), Labcorp).

NM_005732.4(RAD50):c.2165del (p.Lys722fs)

Gene: RAD50 (RAD50 double strand break repair protein; plus strand). Cytogenetic location: 5q31.1.
Variant type: Deletion.
Coding change: c.2165del on transcript NM_005732.4 (MANE Select); coding-DNA position 2165, one base deleted (A; older notation c.2165delA).
Protein change: p.Lys722fs; shifts the reading frame from lysine 722.
Molecular consequence: frameshift variant.
Genome position (GRCh38, 1-based): chr5:132,595,768, A deleted; the last of 9 consecutive A bases (chr5:132,595,760-132,595,768); deleting any one gives the same sequence. VCF-style (leftmost placement, unchanged base first): chr5-132595759-TA-T. GRCh37 (hg19) VCF-style: chr5-131931451-TA-T.
Other names: c.2165del (NM_005732.3); c.2165delA (NM_005732.4); short protein forms K722fs.
Identifiers: ClinVar variation 408407 (VCV000408407.52), dbSNP rs397507178, ClinGen allele CA3405336.